The following is an entry in ClinVar:

NM_001244008.2(KIF1A):c.110T>C (p.Ile37Thr)

Gene: KIF1A (kinesin family member 1A; minus strand). Cytogenetic location: 2q37.3.
Variant type: single nucleotide variant.
Coding change: c.110T>C on transcript NM_001244008.2 (MANE Select); coding-DNA position 110, T replaced by C.
Protein change: p.Ile37Thr; replaces isoleucine 37 with threonine.
Molecular consequence: missense variant.
Genome position (GRCh38, 1-based): chr2:240,789,309, A>G on the plus strand (T>C on the coding strand, the complement: KIF1A is on the minus strand). VCF-style: chr2-240789309-A-G. GRCh37 (hg19) VCF-style: chr2-241728726-A-G.
Other names: c.110T>C, p.Ile37Thr (NM_001320705.2, NM_001330289.2, NM_001330290.2 and 20 more transcripts); short protein forms I37T.
Identifiers: ClinVar variation 871018 (VCV000871018.45), dbSNP rs2055352103, ClinGen allele CA351311837.
Genomic context (GRCh38, chr2:240,789,309, plus strand): 5'-CAGTAGGAGTAGTCAAAGCTGAAGCTTTTGGGCGTCTCCTTGGGCTGTTTGGGGTTAACA[A>G]TGGCTGTGGGAGGGAACACAGGTGGTTAGCGCTGTGCTGGGAGGGCCCCTGACTAGCTGG-3'
Protein context (NP_001230937.1, residues 27-47): IIQMSGSTTT[Ile37Thr]VNPKQPKETP

ClinVar aggregate classification (germline): Conflicting classifications of pathogenicity. Review status: criteria provided, conflicting classifications (1 of 4 stars). 4 submissions from 4 submitters: Likely pathogenic (1); Uncertain significance (1). 2 of the submissions do not count toward it. Last evaluated 2025-10-14.

Conditions:
Syndromic intellectual disability. Also called: Intellectual disability syndrome. Identifiers: Orphanet 183763, MedGen C5680525, MONDO:0000508.

Submissions (4):

Dasa
Classification: Likely pathogenic for Syndromic intellectual disability. Last evaluated: 2025-10-14. Review status: criteria provided, single submitter. Criteria: DASA Assertion Criteria. Collection method: clinical testing. Allele origin: germline.
Comment: NM_001244008.2(KIF1A):c.110T>C (p.Ile37Thr) is a missense variant that results in the substitution of isoleucine with threonine. The affected residue or protein region has prior evidence supporting clinical relevance. This variant has been reported as a de novo occurrence in an affected individual (PMID: 36972935). Also, this variant is absent from population databases. Computational evidence supports a deleterious effect. Based on the currently available evidence, this variant is classified as likely pathogenic.

CeGaT Center for Human Genetics Tuebingen
Classification: Uncertain significance. Last evaluated: 2019-10-01. Review status: criteria provided, single submitter. Criteria: CeGaT Center For Human Genetics Tuebingen Variant Classification Criteria Version 2. Collection method: clinical testing. Allele origin: germline. Affected: yes. Observed: 2 variant alleles.

Clinical Genetics, Academic Medical Center
Classification: Uncertain significance. Review status: no assertion criteria provided. Collection method: clinical testing. Allele origin: germline. Affected: yes. Study: VKGL Data-share Consensus. Not counted in ClinVar's aggregate classification.

Genome Diagnostics Laboratory, Amsterdam University Medical Center
Classification: Uncertain significance. Review status: no assertion criteria provided. Collection method: clinical testing. Allele origin: germline. Affected: yes. Study: VKGL Data-share Consensus. Not counted in ClinVar's aggregate classification.

Literature cited by the submitters: PubMed 36972935 (cited by Dasa).